The following is an entry in ClinVar:

NM_000880.4(IL7):c.111T>C (p.Tyr37=)

Gene: IL7 (interleukin 7; minus strand). Cytogenetic location: 8q21.13.
Variant type: single nucleotide variant.
Coding change: c.111T>C on transcript NM_000880.4 (MANE Select); coding-DNA position 111, T replaced by C.
Protein change: p.Tyr37=; no amino-acid change (tyrosine 37 retained).
Molecular consequence: synonymous variant.
Genome position (GRCh38, 1-based): chr8:78,798,108, A>G on the plus strand (T>C on the coding strand, the complement: IL7 is on the minus strand). VCF-style: chr8-78798108-A-G. GRCh37 (hg19) VCF-style: chr8-79710343-A-G.
Other names: c.111T>C, p.Tyr37= (NM_001199886.2, NM_001199887.2, NM_001199888.2).
Identifiers: ClinVar variation 750372 (VCV000750372.7), dbSNP rs200683891, ClinGen allele CA4789376.

ClinVar aggregate classification (germline): Benign/Likely benign. Review status: criteria provided, multiple submitters, no conflicts (2 of 4 stars). 4 submissions from 4 submitters: Benign (2); Likely benign (1). 1 of the submissions does not count toward it. Last evaluated 2024-10-22.

Conditions:
IL7-related disorder. Also called: IL7-related condition.

Allele frequency attached by ClinVar (database versions not stated): gnomAD 0.00021 and 0.00033; TOPMed 0.00041; ExAC 0.00065; gnomAD exomes 0.00084; 1000 Genomes Project 30x 0.00219; 1000 Genomes Project 0.00240.
gnomAD v4.1: 303 of 1,612,228 alleles (0.019%); highest among the groups gnomAD compares: East Asian, 0.63%; 3 homozygotes.

Submissions (4):

Blueprint Genetics
Classification: Likely benign. Last evaluated: 2024-10-22. Review status: criteria provided, single submitter. Criteria: ACMG Guidelines, 2015. Collection method: clinical testing. Allele origin: germline.

Labcorp Genetics (formerly Invitae), Labcorp
Classification: Benign. Last evaluated: 2018-06-13. Review status: criteria provided, single submitter. Criteria: Invitae Variant Classification Sherloc (09022015). Collection method: clinical testing. Allele origin: germline.

Breakthrough Genomics
Classification: Benign. Review status: criteria provided, single submitter. Criteria: ACMG Guidelines, 2015. Collection method: not provided. Allele origin: germline. Inheritance: Autosomal recessive inheritance. Affected: yes.

PreventionGenetics, part of Exact Sciences
Classification: Benign for IL7-related condition. Last evaluated: 2019-08-22. Review status: no assertion criteria provided. Collection method: clinical testing. Allele origin: germline. Not counted in ClinVar's aggregate classification.
Comment: This variant is classified as benign based on ACMG/AMP sequence variant interpretation guidelines (Richards et al. 2015 PMID: 25741868, with internal and published modifications).